The following is an entry in ClinVar:

ClinVar aggregate classification (germline): Pathogenic (1 of 4 stars; one submission).

Conditions:
Immunodeficiency 67. Also called: Immunodeficiency due to interleukin-1 receptor-associated kinase-4 deficiency. Identifiers: Orphanet 70592, MedGen C1843256, MONDO:0011888, OMIM 607676.

gnomAD v4.1: 1 of 1,613,236 alleles (0.000062%); highest among the groups gnomAD compares: Non-Finnish European, 0.000085%; no homozygotes.

Submission:

Labcorp Genetics (formerly Invitae), Labcorp
Classification: Pathogenic for Immunodeficiency 67. Last evaluated: 2017-08-09. Review status: criteria provided, single submitter. Criteria: Invitae Variant Classification Sherloc (09022015). Collection method: clinical testing. Allele origin: germline.
Comment: For these reasons, this variant has been classified as Pathogenic. Loss-of-function variants in IRAK4 are known to be pathogenic (PMID: 17893200, 21057262). This variant has not been reported in the literature in individuals with IRAK4-related disease. This variant is not present in population databases (ExAC no frequency). This sequence change creates a premature translational stop signal (p.Glu30*) in the IRAK4 gene. It is expected to result in an absent or disrupted protein product.

Literature cited by the submitters: PubMed 17893200; PubMed 21057262.

NM_016123.4(IRAK4):c.88G>T (p.Glu30Ter)

Gene: IRAK4 (interleukin 1 receptor associated kinase 4; plus strand). Cytogenetic location: 12q12.
Variant type: single nucleotide variant.
Coding change: c.88G>T on transcript NM_016123.4 (MANE Select); coding-DNA position 88, G replaced by T.
Protein change: p.Glu30Ter; replaces glutamic acid 30 with a stop codon.
Molecular consequence: nonsense. On other transcripts: 5 prime UTR variant (8), intron variant (2).
Genome position (GRCh38, 1-based): chr12:43,768,199, G>T. VCF-style: chr12-43768199-G-T. GRCh37 (hg19) VCF-style: chr12-44162002-G-T.
Other names: c.88G>T, p.Glu30Ter (NM_001114182.3, NM_001351345.2); c.-139G>T (NM_001145256.2, NM_001145257.2, NM_001351338.2); c.-352G>T (NM_001351339.2, NM_001351340.2, NM_001351341.2); c.-290G>T (NM_001351343.2, NM_001351344.2); c.-278-2839G>T (NM_001351342.2); c.-65-3981G>T (NM_001145258.2); short protein forms E30*.
Identifiers: ClinVar variation 533523 (VCV000533523.7), dbSNP rs1443126481, ClinGen allele CA384464512.
Genomic context (GRCh38, chr12:43,768,199, plus strand): 5'-TATGTGCGCTGCCTCAATGTTGGACTAATTAGGAAGCTGTCAGATTTTATTGATCCTCAA[G>T]AAGGATGGAAGAAGTTAGCTGTAGCTATTAAAAAACCATCTGGTGATGATAGATACAATC-3'